The following is an entry in ClinVar:

ClinVar aggregate classification (germline): Uncertain significance (1 of 4 stars; one submission).

Conditions:
Familial thoracic aortic aneurysm and aortic dissection (TAAD). Also called: Thoracic aortic aneurysms and dissections. Identifiers: Orphanet 91387, MedGen C4707243, MONDO:0019625.

Allele frequency attached by ClinVar (database versions not stated): TOPMed below 0.00001.

Submission:

Ambry Genetics
Classification: Uncertain significance for Familial thoracic aortic aneurysm and aortic dissection. Last evaluated: 2022-11-27. Review status: criteria provided, single submitter. Criteria: Ambry Variant Classification Scheme 2023. Collection method: clinical testing. Allele origin: germline.
Comment: The p.Q355H variant (also known as c.1065G>T), located in coding exon 9 of the MYH11 gene, results from a G to T substitution at nucleotide position 1065. The glutamine at codon 355 is replaced by histidine, an amino acid with highly similar properties. This amino acid position is conserved. In addition, this alteration is predicted to be tolerated by in silico analysis. Since supporting evidence is limited at this time, the clinical significance of this alteration remains unclear.

NM_002474.3(MYH11):c.1065G>T (p.Gln355His)

Gene: MYH11 (myosin heavy chain 11; minus strand). Cytogenetic location: 16p13.11.
Variant type: single nucleotide variant.
Coding change: c.1065G>T on transcript NM_002474.3 (MANE Select); coding-DNA position 1065, G replaced by T.
Protein change: p.Gln355His; replaces glutamine 355 with histidine.
Molecular consequence: missense variant.
Genome position (GRCh38, 1-based): chr16:15,763,860, C>A on the plus strand (G>T on the coding strand, the complement: MYH11 is on the minus strand). VCF-style: chr16-15763860-C-A. GRCh37 (hg19) VCF-style: chr16-15857717-C-A.
Other names: c.1086G>T, p.Gln362His (NM_001040113.2, NM_001040114.2); c.1065G>T, p.Gln355His (NM_022844.3); short protein forms Q355H, Q362H.
Identifiers: ClinVar variation 2448070 (VCV002448070.2), dbSNP rs2041923210, ClinGen allele CA394865731.
Genomic context (GRCh38, chr16:15,763,860, plus strand): 5'-GTTATCTGGCATGGACGCCTGGTCTGTGTTTCTTTCCTTCTTGAAGACGATATTTCCAAG[C>A]TGCAGGACCGATGATACCACCTTCAATATGGCTGAGGTGGGGAGAGAAGGGCAGAGCAGA-3'
Protein context (NP_002465.1, residues 345-365): SILKVVSSVL[Gln355His]LGNIVFKKER